The following is an entry in ClinVar:

ClinVar aggregate classification (germline): Uncertain significance (1 of 4 stars; one submission).

Submission:

Greenwood Genetic Center Diagnostic Laboratories, Greenwood Genetic Center
Classification: Uncertain significance. Last evaluated: 2023-04-17. Review status: criteria provided, single submitter. Criteria: ACMG Guidelines, 2015. Collection method: clinical testing. Allele origin: germline. Affected: yes.
Comment: PM2

NM_020928.2(ZSWIM6):c.2646C>G (p.Leu882=)

Gene: ZSWIM6 (zinc finger SWIM-type containing 6; plus strand). Cytogenetic location: 5q12.1.
Variant type: single nucleotide variant.
Coding change: c.2646C>G on transcript NM_020928.2 (MANE Select); coding-DNA position 2646, C replaced by G.
Protein change: p.Leu882=; no amino-acid change (leucine 882 retained).
Molecular consequence: synonymous variant.
Genome position (GRCh38, 1-based): chr5:61,539,702, C>G. VCF-style: chr5-61539702-C-G. GRCh37 (hg19) VCF-style: chr5-60835529-C-G.
Identifiers: ClinVar variation 2572337 (VCV002572337.1), dbSNP rs2478394130, ClinGen allele CA444557824.
Genomic context (GRCh38, chr5:61,539,702, plus strand): 5'-CATTCACTCCTCATCACACATCTTCAAGCTTGCCCAAGATGCATTTAAAATAGCAACTCT[C>G]ATGGACAGTTTGCCAGACATCACTCTTTTGAAAGTGTCTCTGGAGCTGGGCCTGCAGGTA-3'
Protein context (NP_065979.1, residues 872-892): LAQDAFKIAT[Leu882=]MDSLPDITLL